The following is an entry in ClinVar:

NM_005033.3(EXOSC9):c.281+1G>T

Gene: EXOSC9 (exosome component 9; plus strand). Cytogenetic location: 4q27.
Variant type: single nucleotide variant.
Coding change: c.281+1G>T on transcript NM_005033.3 (MANE Select); the canonical splice donor site of the intron after coding-DNA position 281, G replaced by T.
Molecular consequence: splice donor variant.
Genome position (GRCh38, 1-based): chr4:121,802,794, G>T. VCF-style: chr4-121802794-G-T. GRCh37 (hg19) VCF-style: chr4-122723949-G-T.
Other names: c.281+1G>T (NM_001034194.2).
Identifiers: ClinVar variation 1375211 (VCV001375211.6), dbSNP rs1239223809, ClinGen allele CA358042080.

ClinVar aggregate classification (germline): Likely pathogenic (1 of 4 stars; one submission).

Allele frequency attached by ClinVar (database versions not stated): gnomAD exomes below 0.00001; gnomAD 0.00001.
gnomAD v4.1: 2 of 1,613,532 alleles (0.00012%); highest among the groups gnomAD compares: Admixed American, 0.0017%; no homozygotes.

Submission:

Labcorp Genetics (formerly Invitae), Labcorp
Classification: Likely pathogenic. Last evaluated: 2023-07-21. Review status: criteria provided, single submitter. Criteria: Invitae Variant Classification Sherloc (09022015). Collection method: clinical testing. Allele origin: germline.
Comment: This sequence change affects a donor splice site in intron 3 of the EXOSC9 gene. It is expected to disrupt RNA splicing. Variants that disrupt the donor or acceptor splice site typically lead to a loss of protein function (PMID: 16199547), and loss-of-function variants in EXOSC9 are known to be pathogenic (PMID: 29727687, 33040083). This variant is present in population databases (no rsID available, gnomAD 0.003%). This variant has not been reported in the literature in individuals affected with EXOSC9-related conditions. ClinVar contains an entry for this variant (Variation ID: 1375211). Algorithms developed to predict the effect of sequence changes on RNA splicing suggest that this variant may disrupt the consensus splice site. In summary, the currently available evidence indicates that the variant is pathogenic, but additional data are needed to prove that conclusively. Therefore, this variant has been classified as Likely Pathogenic.

Literature cited by the submitters: PubMed 16199547; PubMed 29727687; PubMed 33040083.